The following is an entry in ClinVar:

ClinVar aggregate classification (germline): Uncertain significance (1 of 4 stars; one submission).

Submission:

Labcorp Genetics (formerly Invitae), Labcorp
Classification: Uncertain significance. Last evaluated: 2024-09-23. Review status: criteria provided, single submitter. Criteria: Invitae Variant Classification Sherloc (09022015). Collection method: clinical testing. Allele origin: germline.
Comment: This sequence change replaces glycine, which is neutral and non-polar, with tryptophan, which is neutral and slightly polar, at codon 637 of the CLCN2 protein (p.Gly637Trp). This variant is not present in population databases (gnomAD no frequency). This variant has not been reported in the literature in individuals affected with CLCN2-related conditions. ClinVar contains an entry for this variant (Variation ID: 1489017). Invitae Evidence Modeling of protein sequence and biophysical properties (such as structural, functional, and spatial information, amino acid conservation, physicochemical variation, residue mobility, and thermodynamic stability) indicates that this missense variant is not expected to disrupt CLCN2 protein function with a negative predictive value of 80%. In summary, the available evidence is currently insufficient to determine the role of this variant in disease. Therefore, it has been classified as a Variant of Uncertain Significance.

NM_004366.6(CLCN2):c.1909G>T (p.Gly637Trp)

Gene: CLCN2 (chloride voltage-gated channel 2; minus strand). Cytogenetic location: 3q27.1.
Variant type: single nucleotide variant.
Coding change: c.1909G>T on transcript NM_004366.6 (MANE Select); coding-DNA position 1909, G replaced by T.
Protein change: p.Gly637Trp; replaces glycine 637 with tryptophan.
Molecular consequence: missense variant.
Genome position (GRCh38, 1-based): chr3:184,353,369, C>A on the plus strand (G>T on the coding strand, the complement: CLCN2 is on the minus strand). VCF-style: chr3-184353369-C-A. GRCh37 (hg19) VCF-style: chr3-184071157-C-A.
Other names: c.1858G>T, p.Gly620Trp (NM_001171087.3); c.1777G>T, p.Gly593Trp (NM_001171088.3); c.1909G>T, p.Gly637Trp (NM_001171089.3); short protein forms G593W, G620W, G637W.
Identifiers: ClinVar variation 1489017 (VCV001489017.6), dbSNP rs1188894719, ClinGen allele CA355449004.